The following is an entry in ClinVar:

ClinVar aggregate classification (germline): Uncertain significance. Review status: criteria provided, multiple submitters, no conflicts (2 of 4 stars). 4 submissions from 4 submitters: Uncertain significance (4). Last evaluated 2026-03-19.

Conditions:
PCNT-related disorder. Also called: PCNT-related condition.
Microcephalic osteodysplastic primordial dwarfism type II (MOPD2). Also called: Microcephalic osteodysplastic primordial dwarfism with tooth abnormalities; MOPD II; OSTEODYSPLASTIC PRIMORDIAL DWARFISM, TYPE II. Identifiers: Orphanet 2637, MedGen C0432246, MONDO:0008872, OMIM 210720.

Allele frequency attached by ClinVar (database versions not stated): TOPMed 0.00015; ESP Exome Variant Server 0.00038.
gnomAD v4.1: 385 of 1,613,878 alleles (0.024%); highest among the groups gnomAD compares: Non-Finnish European, 0.031%; no homozygotes.

Submissions (4):

PreventionGenetics, part of Exact Sciences
Classification: Uncertain significance for PCNT-related condition. Last evaluated: 2026-03-19. Review status: criteria provided, single submitter. Criteria: ACMG Guidelines, 2015. Collection method: clinical testing. Allele origin: germline.
Comment: The PCNT c.8398C>T variant is predicted to result in the amino acid substitution p.Arg2800Trp. This variant, also described as c.8044C>T, p.Arg2682Trp in NM_001315529, has been reported in the heterozygous state in a child with short stature who also carried variants in FBN1 and several other genes (Cavarzere et al. 2024. PubMed ID: 38087044). This variant is reported in 0.028% of alleles in individuals of European (non-Finnish) descent in gnomAD. At this time, the clinical significance of this variant is uncertain due to the absence of conclusive functional and genetic evidence.

Labcorp Genetics (formerly Invitae), Labcorp
Classification: Uncertain significance. Last evaluated: 2025-12-14. Review status: criteria provided, single submitter. Criteria: Invitae Variant Classification Sherloc (09022015). Collection method: clinical testing. Allele origin: germline.
Comment: This sequence change replaces arginine, which is basic and polar, with tryptophan, which is neutral and slightly polar, at codon 2800 of the PCNT protein (p.Arg2800Trp). This variant is present in population databases (rs142608069, gnomAD 0.02%). This missense change has been observed in individual(s) with short stature (PMID: 38087044). This variant is also known as c.8044C>T (p.Arg2682Trp). ClinVar contains an entry for this variant (Variation ID: 159672). An algorithm developed to predict the effect of missense changes on protein structure and function (PolyPhen-2) suggests that this variant is likely to be disruptive. In summary, the available evidence is currently insufficient to determine the role of this variant in disease. Therefore, it has been classified as a Variant of Uncertain Significance.

GeneDx
Classification: Uncertain significance. Last evaluated: 2015-04-14. Review status: criteria provided, single submitter. Criteria: GeneDx Variant Classification (06012015). Collection method: clinical testing. Allele origin: germline. Affected: yes.
Comment: A variant of unknown significance has been identified in the PCNT gene. The R2800W variant has not been published as a pathogenic variant, nor has it been reported as a benign polymorphism to our knowledge. The R2800W variant was not observed with any significant frequency in approximately 6,500 individuals of European and African American ancestry in the NHLBI Exome Sequencing Project. The R2800W variant is a non-conservative amino acid substitution, which is likely to impact secondary protein structure as these residues differ in polarity, charge, size and/or other properties. This substitution occurs at a position that is conserved through mammals. However, missense variants in nearby residues have not been reported in the Human Gene Mutation Database in association with epilepsy (Stenson et al., 2014). In silico analysis is inconsistent in its predictions as to whether or not the variant is damaging to the protein structure/function. Therefore, based on the currently available information, it is unclear whether this variant is a pathogenic variant or a rare benign variant.

Genetic Services Laboratory, University of Chicago
Classification: Uncertain significance for Microcephalic osteodysplastic primordial dwarfism, type II. Last evaluated: 2014-04-18. Review status: criteria provided, single submitter. Criteria: ACMG Guidelines, 2007. Collection method: clinical testing. Allele origin: germline. Inheritance: Autosomal recessive inheritance.

Literature cited by the submitters: PubMed 38087044 (cited by Labcorp Genetics (formerly Invitae), Labcorp).

NM_006031.6(PCNT):c.8398C>T (p.Arg2800Trp)

Gene: PCNT (pericentrin; plus strand). Cytogenetic location: 21q22.3.
Variant type: single nucleotide variant.
Coding change: c.8398C>T on transcript NM_006031.6 (MANE Select); coding-DNA position 8398, C replaced by T.
Protein change: p.Arg2800Trp; replaces arginine 2800 with tryptophan.
Molecular consequence: missense variant.
Genome position (GRCh38, 1-based): chr21:46,431,862, C>T. VCF-style: chr21-46431862-C-T. GRCh37 (hg19) VCF-style: chr21-47851776-C-T.
Other names: c.8044C>T, p.Arg2682Trp (NM_001315529.2); short protein forms R2800W, R2682W.
Identifiers: ClinVar variation 159672 (VCV000159672.16), dbSNP rs142608069, ClinGen allele CA251113.